The following is an entry in ClinVar:

ClinVar aggregate classification (germline): Likely pathogenic. Review status: reviewed by expert panel (3 of 4 stars). 2 submissions from 2 submitters: Likely pathogenic (1). 1 of the submissions does not count toward it. Last evaluated 2020-08-28.

Conditions:
Hyperphenylalaninemia. Also called: Hyperphenylalaninaemia; Hyperphenylalaninemia (HPA); Hyperphenylalaninemia, non-pku. Identifiers: MedGen C0751435, HP:0004923.
Phenylketonuria (PKU). Also called: FOLLING DISEASE; OLIGOPHRENIA PHENYLPYRUVICA; Phenylketonurias; Phenylketonuria (PKU). Identifiers: Orphanet 716, MedGen C0031485, MONDO:0009861, OMIM 261600. Disease mechanism: loss of function.

Submissions (2):

ClinGen PAH Variant Curation Expert Panel
Classification: Likely pathogenic for Phenylketonuria. Last evaluated: 2020-08-28. Review status: reviewed by expert panel. Criteria: ClinGen PAH ACMG Specifications v1. Collection method: curation. Allele origin: germline. Inheritance: Autosomal recessive inheritance.
Comment: The c.-4165_-407del3759 deletion in PAH has been reported in 3 unrelated individuals/families with PAH deficiency where it was designated as -4173_-407del. (PMID: 11935335). The -4173_-407del nomenclature was based on the translation initiation site, and corresponds to c.-4165_-407del3759 (based on transcription initiation site). This deletion is absent from gnomAD genomes with good coverage. This variant was detected with pathogenic variants: p.R408Q in 2 unrelated patients; p.E286K in 2 patients (pathogenic by PAH VCEP); and p.E76G in 1 patient (PMID: 24401910). Functional evidence suggests that it diminishes PAH gene expression (retained only 1% of the wild-type CAT activity, PMID: 11935335). In summary, this variant meets criteria to be classified as likely pathogenic for PAH. PAH-specific ACMG/AMP criteria applied: PP4, PM2, PM3_strong, PS3_supporting.

OMIM
Classification: Pathogenic for HYPERPHENYLALANINEMIA, NON-PKU. Last evaluated: 2002-03-01. Review status: no assertion criteria provided. Collection method: literature only. Allele origin: germline. Not counted in ClinVar's aggregate classification.

Literature cited by the submitters: PubMed 24401910 (cited by ClinGen PAH Variant Curation Expert Panel); PubMed 11935335 (cited by ClinGen PAH Variant Curation Expert Panel and OMIM).

NM_001354304.2(PAH):c.-95-4071_-95-313del

Gene: PAH (phenylalanine hydroxylase; minus strand). Cytogenetic location: 12q24.1.
Variant type: Deletion.
Coding change: c.-95-4071_-95-313del on transcript NM_001354304.2; 4071 bases into the intron before 95 bases upstream of the start codon through 313 bases into the intron before 95 bases upstream of the start codon, 3,759 bases deleted.
Molecular consequence: intron variant.
Genome position (GRCh38, 1-based): chr12:102,917,538-102,921,296, 3,759 bases deleted. GRCh37 (hg19): chr12:103,311,316-103,315,074.
Other names: 3.7-KB DEL, -3.3 KB.
Identifiers: ClinVar variation 638 (VCV000000638.4), ClinGen allele CA281520.